The following is an entry in ClinVar:

ClinVar aggregate classification (germline): Likely benign. Review status: criteria provided, multiple submitters, no conflicts (2 of 4 stars). 3 submissions from 3 submitters: Likely benign (3). Last evaluated 2025-12-14.

Conditions:
Multiple acyl-CoA dehydrogenase deficiency (MADD). Also called: Glutaric aciduria, type 2; Glutaric Acidemia type 2; Glutaric acidemia type II; GA 2; ETHYLMALONIC-ADIPICACIDURIA; GA II. Identifiers: Orphanet 26791, MedGen C0268596, MONDO:0009282, OMIM 231680.

Submissions (3):

Labcorp Genetics (formerly Invitae), Labcorp
Classification: Likely benign for Multiple acyl-CoA dehydrogenase deficiency. Last evaluated: 2025-12-14. Review status: criteria provided, single submitter. Criteria: Invitae Variant Classification Sherloc (09022015). Collection method: clinical testing. Allele origin: germline.

Mayo Clinic Laboratories, Mayo Clinic
Classification: Likely benign. Last evaluated: 2025-09-15. Review status: criteria provided, single submitter. Criteria: ACMG Guidelines, 2015. Collection method: clinical testing. Allele origin: germline. Observed: 1 variant allele.
Comment: BP4, BP7

Blueprint Genetics
Classification: Likely benign. Last evaluated: 2024-01-29. Review status: criteria provided, single submitter. Criteria: ACMG Guidelines, 2015. Collection method: clinical testing. Allele origin: germline.

NM_004453.4(ETFDH):c.684+3_684+9dup

Gene: ETFDH (electron transfer flavoprotein dehydrogenase; plus strand). Cytogenetic location: 4q32.1.
Variant type: Duplication.
Coding change: c.684+3_684+9dup on transcript NM_004453.4 (MANE Select); bases 3 to 9 of the intron after coding-DNA position 684, 7 bases duplicated (AAACCTT; older notation c.684+3_684+9dupAAACCTT).
Molecular consequence: splice donor variant.
Genome position (GRCh38, 1-based): chr4:158,690,428-158,690,434, AAACCTT duplicated; duplicating any 7 consecutive bases within chr4:158,690,427-158,690,434 gives the same sequence; the c. name uses the placement nearest the transcript's 3' end. VCF-style (leftmost placement, unchanged base first): chr4-158690426-G-GTAAACCT. GRCh37 (hg19) VCF-style: chr4-159611578-G-GTAAACCT.
Other names: p.?; c.543+3_543+9dup (NM_001281737.2); c.501+3_501+9dup (NM_001281738.1).
Identifiers: ClinVar variation 731862 (VCV000731862.9), dbSNP rs773592713, ClinGen allele CA3122428.